The following is an entry in ClinVar:

NM_021815.5(SLC5A7):c.449-3C>T

Gene: SLC5A7 (solute carrier family 5 member 7; plus strand). Cytogenetic location: 2q12.3.
Variant type: single nucleotide variant.
Coding change: c.449-3C>T on transcript NM_021815.5 (MANE Select); 3 bases into the intron before coding-DNA position 449, C replaced by T.
Molecular consequence: intron variant.
Genome position (GRCh38, 1-based): chr2:107,997,835, C>T. VCF-style: chr2-107997835-C-T. GRCh37 (hg19) VCF-style: chr2-108614291-C-T.
Other names: c.-256-3C>T (NM_001305007.3); c.449-3C>T (NM_001305005.3); c.134-3C>T (NM_001305006.3).
Identifiers: ClinVar variation 4794365 (VCV004794365.1).

ClinVar aggregate classification (germline): Uncertain significance (1 of 4 stars; one submission).

Conditions:
Neuronopathy, distal hereditary motor, type 7A. Also called: Neuronopathy, distal hereditary motor, type viia; NEURONOPATHY, DISTAL HEREDITARY MOTOR, HARDING TYPE VIIA; NEUROPATHY, DISTAL HEREDITARY MOTOR, HARDING TYPE VIIA; Neuronopathy, distal hereditary motor, autosomal dominant 7; HARPER-YOUNG MYOPATHY; HMN VIIA. Identifiers: Orphanet 139589, MedGen C1834703, MONDO:0008024, OMIM 158580.
Congenital myasthenic syndrome 20. Also called: Myasthenic syndrome, congenital, 20, presynaptic. Identifiers: MedGen C4310694, MONDO:0014939, OMIM 617143.

gnomAD v4.1: 1 of 1,605,032 alleles (0.000062%); highest among the groups gnomAD compares: Non-Finnish European, 0.000085%; no homozygotes.

Submission:

Labcorp Genetics (formerly Invitae), Labcorp
Classification: Uncertain significance for Neuronopathy, distal hereditary motor, type 7A; Congenital myasthenic syndrome 20. Last evaluated: 2025-08-07. Review status: criteria provided, single submitter. Criteria: Invitae Variant Classification Sherloc (09022015). Collection method: clinical testing. Allele origin: germline.
Comment: This sequence change falls in intron 4 of the SLC5A7 gene. It does not directly change the encoded amino acid sequence of the SLC5A7 protein. It affects a nucleotide within the consensus splice site. This variant is not present in population databases (gnomAD no frequency). This variant has not been reported in the literature in individuals affected with SLC5A7-related conditions. Variants that disrupt the consensus splice site are a relatively common cause of aberrant splicing (PMID: 17576681, 9536098). Algorithms developed to predict the effect of sequence changes on RNA splicing suggest that this variant is not likely to affect RNA splicing. In summary, the available evidence is currently insufficient to determine the role of this variant in disease. Therefore, it has been classified as a Variant of Uncertain Significance.

Literature cited by the submitters: PubMed 17576681; PubMed 9536098.